The following is an entry in ClinVar:

ClinVar aggregate classification (germline): Conflicting classifications of pathogenicity. Review status: criteria provided, conflicting classifications (1 of 4 stars). 9 submissions from 6 submitters: Uncertain significance (4); Likely benign (5). Last evaluated 2026-01-05.

Conditions:
Long QT syndrome (LQTS). Identifiers: MedGen C0023976, MeSH D008133, MONDO:0002442. Disease mechanism: loss of function. Inheritance: Various modes of inheritance.
Long QT syndrome 1 (LQT1). Identifiers: Orphanet 101016, Orphanet 768, MedGen C4551647, MONDO:0100316, OMIM 192500, MONDO:0008646.
Jervell and Lange-Nielsen syndrome 1 (JLNS1). Also called: PROLONGED QT INTERVAL IN EKG AND SUDDEN DEATH; SURDO-CARDIAC SYNDROME; CARDIOAUDITORY SYNDROME OF JERVELL AND LANGE-NIELSEN; DEAFNESS, CONGENITAL, AND FUNCTIONAL HEART DISEASE. Identifiers: Orphanet 768, Orphanet 90647, MedGen C4551509, MONDO:0024540, OMIM 220400.
Atrial fibrillation, familial, 3 (ATFB3). Identifiers: MedGen C1837014, MONDO:0011857, OMIM 607554.
Short QT syndrome type 2. Identifiers: Orphanet 51083, MedGen C1865019, MONDO:0012313, OMIM 609621.
Cardiac arrhythmia. Also called: Cardiac rhythm disease; Arrhythmia. Identifiers: MedGen C0003811, MONDO:0007263, HP:0011675.
Cardiovascular phenotype. Identifiers: MedGen CN230736.

Allele frequency attached by ClinVar (database versions not stated): ExAC below 0.00001; TOPMed below 0.00001; gnomAD 0.00001; gnomAD exomes 0.00001.
gnomAD v4.1: 25 of 1,571,096 alleles (0.0016%); highest among the groups gnomAD compares: East Asian, 0.0023%; no homozygotes.

Submissions (9):

Labcorp Genetics (formerly Invitae), Labcorp
Classification: Likely benign for Long QT syndrome. Last evaluated: 2026-01-05. Review status: criteria provided, single submitter. Criteria: Invitae Variant Classification Sherloc (09022015). Collection method: clinical testing. Allele origin: germline.

Blueprint Genetics
Classification: Likely benign. Last evaluated: 2024-11-21. Review status: criteria provided, single submitter. Criteria: ACMG Guidelines, 2015. Collection method: clinical testing. Allele origin: germline.

Ambry Genetics
Classification: Likely benign for Cardiovascular phenotype. Last evaluated: 2023-12-29. Review status: criteria provided, single submitter. Criteria: Ambry Variant Classification Scheme 2023. Collection method: clinical testing. Allele origin: germline.

All of Us Research Program, National Institutes of Health
Classification: Likely benign for Long QT syndrome. Last evaluated: 2023-11-28. Review status: criteria provided, single submitter. Criteria: ACMG Guidelines, 2015. Collection method: clinical testing. Allele origin: germline. Inheritance: Autosomal dominant inheritance. Observed: 6 variant alleles, 6 heterozygotes.
Comment: This study involves interpretation of variants in research participants for the purpose of population health screening. Participant phenotype was not available at the time of variant classification. Additional details can be found in publication PMID: 35346344, PMCID: PMC8962531

Color Diagnostics, LLC DBA Color Health
Classification: Likely benign for Arrhythmia. Last evaluated: 2019-01-27. Review status: criteria provided, single submitter. Criteria: ACMG Guidelines, 2015. Collection method: clinical testing. Allele origin: germline.

Illumina Laboratory Services, Illumina
Classification: Uncertain significance for Short QT syndrome type 2. Last evaluated: 2018-01-12. Review status: criteria provided, single submitter. Criteria: ICSL Variant Classification Criteria 13 December 2019. Collection method: clinical testing. Allele origin: germline.

Illumina Laboratory Services, Illumina
Classification: Uncertain significance for Jervell and Lange-Nielsen syndrome 1. Last evaluated: 2018-01-12. Review status: criteria provided, single submitter. Criteria: ICSL Variant Classification Criteria 13 December 2019. Collection method: clinical testing. Allele origin: germline.

Illumina Laboratory Services, Illumina
Classification: Uncertain significance for Long QT syndrome 1. Last evaluated: 2018-01-12. Review status: criteria provided, single submitter. Criteria: ICSL Variant Classification Criteria 13 December 2019. Collection method: clinical testing. Allele origin: germline.

Illumina Laboratory Services, Illumina
Classification: Uncertain significance for Atrial fibrillation, familial, 3. Last evaluated: 2018-01-12. Review status: criteria provided, single submitter. Criteria: ICSL Variant Classification Criteria 13 December 2019. Collection method: clinical testing. Allele origin: germline.

NM_000218.3(KCNQ1):c.1830C>T (p.Thr610=)

Genes: KCNQ1 (potassium voltage-gated channel subfamily Q member 1; plus strand), KCNQ1-AS1 (KCNQ1 antisense RNA 1; minus strand). Cytogenetic location: 11p15.4.
Variant type: single nucleotide variant.
Coding change: c.1830C>T on transcript NM_000218.3 (MANE Select); coding-DNA position 1830, C replaced by T.
Protein change: p.Thr610=; no amino-acid change (threonine 610 retained).
Molecular consequence: synonymous variant.
Genome position (GRCh38, 1-based): chr11:2,847,802, C>T. VCF-style: chr11-2847802-C-T. GRCh37 (hg19) VCF-style: chr11-2869032-C-T.
Other names: c.1734C>T, p.Thr578= (NM_001406836.1); c.1560C>T, p.Thr520= (NM_001406837.1); c.1290C>T, p.Thr430= (NM_001406838.1); c.342C>T, p.Thr114= (NM_001406839.1); c.1449C>T, p.Thr483= (NM_181798.2).
Identifiers: ClinVar variation 749619 (VCV000749619.22), dbSNP rs774101297, ClinGen allele CA033288.